The following is an entry in ClinVar:

ClinVar aggregate classification (germline): Uncertain significance. Review status: criteria provided, multiple submitters, no conflicts (2 of 4 stars). 2 submissions from 2 submitters: Uncertain significance (2). Last evaluated 2026-06-06.

Conditions:
Hereditary cancer-predisposing syndrome. Also called: Hereditary neoplastic syndrome; Neoplastic Syndromes, Hereditary; Tumor predisposition; Hereditary Cancer Syndrome. Identifiers: Orphanet 140162, MedGen C0027672, MeSH D009386, MONDO:0015356.
Gorlin syndrome. Also called: Basal cell nevus syndrome; Nevoid Basal Cell Carcinoma Syndrome. Identifiers: Orphanet 377, MedGen C0004779, MONDO:0007187.

Allele frequency attached by ClinVar (database versions not stated): gnomAD exomes below 0.00001.
gnomAD v4.1: 2 of 1,611,546 alleles (0.00012%); highest among the groups gnomAD compares: Non-Finnish European, 0.00017%; no homozygotes.

Submissions (2):

Ambry Genetics
Classification: Uncertain significance for Hereditary cancer-predisposing syndrome. Last evaluated: 2026-06-06. Review status: criteria provided, single submitter. Criteria: Ambry Variant Classification Scheme 2023. Collection method: clinical testing. Allele origin: germline.
Comment: The p.Q1228R variant (also known as c.3683A>G), located in coding exon 22 of the PTCH1 gene, results from an A to G substitution at nucleotide position 3683. The glutamine at codon 1228 is replaced by arginine, an amino acid with highly similar properties. This amino acid position is conserved. In addition, the in silico prediction for this alteration is inconclusive. Based on the available evidence, the clinical significance of this variant remains unclear.

Labcorp Genetics (formerly Invitae), Labcorp
Classification: Uncertain significance for Gorlin syndrome. Last evaluated: 2020-10-27. Review status: criteria provided, single submitter. Criteria: Invitae Variant Classification Sherloc (09022015). Collection method: clinical testing. Allele origin: germline.
Comment: In summary, the available evidence is currently insufficient to determine the role of this variant in disease. Therefore, it has been classified as a Variant of Uncertain Significance. Advanced modeling of protein sequence and biophysical properties (such as structural, functional, and spatial information, amino acid conservation, physicochemical variation, residue mobility, and thermodynamic stability) performed at Invitae indicates that this missense variant is not expected to disrupt PTCH1 protein function. This variant has not been reported in the literature in individuals with PTCH1-related conditions. This variant is not present in population databases (ExAC no frequency). This sequence change replaces glutamine with arginine at codon 1228 of the PTCH1 protein (p.Gln1228Arg). The glutamine residue is weakly conserved and there is a small physicochemical difference between glutamine and arginine.

NM_000264.5(PTCH1):c.3683A>G (p.Gln1228Arg)

Gene: PTCH1 (patched 1; minus strand). Cytogenetic location: 9q22.32.
Variant type: single nucleotide variant.
Coding change: c.3683A>G on transcript NM_000264.5 (MANE Select); coding-DNA position 3683, A replaced by G.
Protein change: p.Gln1228Arg; replaces glutamine 1228 with arginine.
Molecular consequence: missense variant. On other transcripts: non-coding transcript variant (1).
Genome position (GRCh38, 1-based): chr9:95,449,190, T>C on the plus strand (A>G on the coding strand, the complement: PTCH1 is on the minus strand). VCF-style: chr9-95449190-T-C. GRCh37 (hg19) VCF-style: chr9-98211472-T-C.
Other names: c.3683A>G (NM_000264.3); c.3485A>G, p.Gln1162Arg (NM_001083602.3); c.3680A>G, p.Gln1227Arg (NM_001083603.3); c.3230A>G, p.Gln1077Arg (NM_001083604.3, NM_001083605.3, NM_001083606.3 and 1 more transcripts); c.3527A>G, p.Gln1176Arg (NM_001354918.2); short protein forms Q1077R, Q1162R, Q1176R, Q1227R, Q1228R.
Identifiers: ClinVar variation 1009897 (VCV001009897.10), dbSNP rs1838218958, ClinGen allele CA374111149.
Genomic context (GRCh38, chr9:95,449,190, plus strand): 5'-CCCGCGCCCTGCTGGGCCTCGTAGTGCCGAAGCTCCTCGCTGAGGCCTGACACTGTCGTC[T>C]GGGAACTATACTCCGAGTCGGAGGAATCAGACCCGCTGTGCGTGTGGCCGGGCGGCATGG-3'
Protein context (NP_000255.2, residues 1218-1238): SDSSDSEYSS[Gln1228Arg]TTVSGLSEEL